The following is an entry in ClinVar:

ClinVar aggregate classification (germline): Uncertain significance (1 of 4 stars; one submission).

gnomAD v4.1: 1 of 1,613,480 alleles (0.000062%); highest among the groups gnomAD compares: South Asian, 0.0011%; no homozygotes.

Submission:

GeneDx
Classification: Uncertain significance. Last evaluated: 2024-06-03. Review status: criteria provided, single submitter. Criteria: GeneDx Variant Classification Process June 2021. Collection method: clinical testing. Allele origin: germline. Affected: yes.
Comment: Not observed at significant frequency in large population cohorts (gnomAD); In silico analysis indicates that this missense variant does not alter protein structure/function; Has not been previously published as pathogenic or benign to our knowledge; This variant is associated with the following publications: (PMID: 27839871)

NM_001134407.3(GRIN2A):c.2370G>T (p.Glu790Asp)

Gene: GRIN2A (glutamate ionotropic receptor NMDA type subunit 2A; minus strand). Cytogenetic location: 16p13.2.
Variant type: single nucleotide variant.
Coding change: c.2370G>T on transcript NM_001134407.3 (MANE Select); coding-DNA position 2370, G replaced by T.
Protein change: p.Glu790Asp; replaces glutamic acid 790 with aspartic acid.
Molecular consequence: missense variant.
Genome position (GRCh38, 1-based): chr16:9,769,076, C>A on the plus strand (G>T on the coding strand, the complement: GRIN2A is on the minus strand). VCF-style: chr16-9769076-C-A. GRCh37 (hg19) VCF-style: chr16-9862933-C-A.
Other names: c.2370G>T, p.Glu790Asp (NM_000833.5, NM_001134408.2); short protein forms E790D.
Identifiers: ClinVar variation 3384561 (VCV003384561.1).